The following is an entry in ClinVar:

NM_004187.5(KDM5C):c.3208C>T (p.Gln1070Ter)

Gene: KDM5C (lysine demethylase 5C; minus strand). Cytogenetic location: Xp11.22.
Variant type: single nucleotide variant.
Coding change: c.3208C>T on transcript NM_004187.5 (MANE Select); coding-DNA position 3208, C replaced by T.
Protein change: p.Gln1070Ter; replaces glutamine 1070 with a stop codon.
Molecular consequence: nonsense. On other transcripts: non-coding transcript variant (3).
Genome position (GRCh38, 1-based): chrX:53,195,323, G>A on the plus strand (C>T on the coding strand, the complement: KDM5C is on the minus strand). VCF-style: chrX-53195323-G-A. GRCh37 (hg19) VCF-style: chrX-53224505-G-A.
Other names: c.3007C>T, p.Gln1003Ter (NM_001146702.2); c.3205C>T, p.Gln1069Ter (NM_001282622.3, NM_001353979.2, NM_001353982.2); c.3208C>T, p.Gln1070Ter (NM_001353978.3, NM_001353981.2, NM_001353984.2); short protein forms Q1003*, Q1069*, Q1070*.
Identifiers: ClinVar variation 1709074 (VCV001709074.2), dbSNP rs2519384114, ClinGen allele CA413110501.

ClinVar aggregate classification (germline): Likely pathogenic (1 of 4 stars; one submission).

Conditions:
Intellectual developmental disorder, X-linked, syndromic, Claes-Jensen type. Also called: Syndromic X-linked intellectual disability Claes-Jensen type; INTELLECTUAL DEVELOPMENTAL DISORDER, X-LINKED, SYNDROMIC 16; MENTAL RETARDATION, X-LINKED, SYNDROMIC 16. Identifiers: Orphanet 85279, MedGen C1845243, MONDO:0010355, OMIM 300534.

Submission:

MGZ Medical Genetics Center
Classification: Likely pathogenic for Intellectual developmental disorder, X-linked, syndromic, Claes-Jensen type. Last evaluated: 2022-01-05. Review status: criteria provided, single submitter. Criteria: ACMG Guidelines, 2015. Collection method: clinical testing. Allele origin: germline. Affected: yes. Observed: 1 variant allele.
Comment: ACMG criteria applied: PVS1, PM2_SUP